The following is an entry in ClinVar:

NM_007294.4(BRCA1):c.2299A>T (p.Ser767Cys)

Gene: BRCA1 (BRCA1 DNA repair associated; minus strand). Cytogenetic location: 17q21.31.
Variant type: single nucleotide variant.
Coding change: c.2299A>T on transcript NM_007294.4 (MANE Select); coding-DNA position 2299, A replaced by T.
Protein change: p.Ser767Cys; replaces serine 767 with cysteine.
Molecular consequence: missense variant. On other transcripts: intron variant (137).
Genome position (GRCh38, 1-based): chr17:43,093,232, T>A on the plus strand (A>T on the coding strand, the complement: BRCA1 is on the minus strand). VCF-style: chr17-43093232-T-A. GRCh37 (hg19) VCF-style: chr17-41245249-T-A.
Other names: 2418A>T; c.2086A>T, p.Ser696Cys (NM_001407571.1, NM_001407897.1, NM_001407898.1 and 9 more transcripts); c.2299A>T, p.Ser767Cys (NM_001407581.1, NM_001407582.1, NM_001407602.1 and 30 more transcripts); c.2296A>T, p.Ser766Cys (NM_001407610.1, NM_001407611.1, NM_001407612.1 and 22 more transcripts); c.2290A>T, p.Ser764Cys (NM_001407646.1, NM_001407647.1); c.2176A>T, p.Ser726Cys (NM_001407648.1, NM_001407667.1, NM_001407668.1 and 19 more transcripts); c.2173A>T, p.Ser725Cys (NM_001407649.1, NM_001407670.1, NM_001407671.1 and 11 more transcripts); c.2221A>T, p.Ser741Cys (NM_001407653.1, NM_001407654.1, NM_001407655.1 and 4 more transcripts); and 42 more; short protein forms S767C, S720C, S471C, S678C, S696C, S725C, S726C, S740C.
Identifiers: ClinVar variation 91582 (VCV000091582.22), dbSNP rs80357194, ClinGen allele CA001532.

ClinVar aggregate classification (germline): Conflicting classifications of pathogenicity. Review status: criteria provided, conflicting classifications (1 of 4 stars). 6 submissions from 6 submitters: Uncertain significance (4); Likely benign (1). 1 of the submissions does not count toward it. Last evaluated 2025-08-20.

Conditions:
Hereditary cancer-predisposing syndrome. Also called: Hereditary Cancer Syndrome; Hereditary neoplastic syndrome; Neoplastic Syndromes, Hereditary; Tumor predisposition. Identifiers: Orphanet 140162, MedGen C0027672, MeSH D009386, MONDO:0015356.
Breast-ovarian cancer, familial, susceptibility to, 1 (BROVCA1). Also called: BRCA1 Hereditary Breast and Ovarian Cancer; OVARIAN CANCER, SUSCEPTIBILITY TO. Identifiers: Orphanet 145, MedGen C2676676, MONDO:0011450, OMIM 604370. Disease mechanism: loss of function.
Hereditary breast ovarian cancer syndrome. Also called: BRCA1- and BRCA2-Associated Hereditary Breast and Ovarian Cancer; Hereditary breast and ovarian cancer syndrome; Hereditary breast and ovarian cancer syndrome (HBOC); Breast and ovarian cancer; Hereditary breast and/or ovarian cancer syndrome; Hereditary breast and ovarian cancer. Identifiers: Orphanet 145, MedGen C0677776, MeSH D061325, MONDO:0003582. Disease mechanism: loss of function.

Submissions (6):

Ambry Genetics
Classification: Uncertain significance for Hereditary cancer-predisposing syndrome. Last evaluated: 2025-08-20. Review status: criteria provided, single submitter. Criteria: Ambry Variant Classification Scheme 2023. Collection method: clinical testing. Allele origin: germline.
Comment: The p.S767C variant (also known as c.2299A>T), located in coding exon 9 of the BRCA1 gene, results from an A to T substitution at nucleotide position 2299. The serine at codon 767 is replaced by cysteine, an amino acid with dissimilar properties. This alteration was identified in a meta-analysis of familial breast and ovarian cancer patients from mainland China (Kim YC et al. Oncotarget, 2016 Feb;7:9600-12). This amino acid position is poorly conserved in available vertebrate species. In addition, the in silico prediction for this alteration is inconclusive. Since supporting evidence is limited at this time, the clinical significance of this alteration remains unclear.

Labcorp Genetics (formerly Invitae), Labcorp
Classification: Uncertain significance for Hereditary breast ovarian cancer syndrome. Last evaluated: 2025-05-21. Review status: criteria provided, single submitter. Criteria: Invitae Variant Classification Sherloc (09022015). Collection method: clinical testing. Allele origin: germline.
Comment: This sequence change replaces serine, which is neutral and polar, with cysteine, which is neutral and slightly polar, at codon 767 of the BRCA1 protein (p.Ser767Cys). This variant is not present in population databases (gnomAD no frequency). This variant has not been reported in the literature in individuals affected with BRCA1-related conditions. ClinVar contains an entry for this variant (Variation ID: 91582). Invitae Evidence Modeling of protein sequence and biophysical properties (such as structural, functional, and spatial information, amino acid conservation, physicochemical variation, residue mobility, and thermodynamic stability) indicates that this missense variant is not expected to disrupt BRCA1 protein function with a negative predictive value of 80%. In summary, the available evidence is currently insufficient to determine the role of this variant in disease. Therefore, it has been classified as a Variant of Uncertain Significance.

GeneDx
Classification: Uncertain significance. Last evaluated: 2023-09-06. Review status: criteria provided, single submitter. Criteria: GeneDx Variant Classification Process June 2021. Collection method: clinical testing. Allele origin: germline. Affected: yes.
Comment: Not observed at significant frequency in large population cohorts (gnomAD); In silico analysis supports that this missense variant does not alter protein structure/function; Also known as 2418A>T; This variant is associated with the following publications: (PMID: 15343273, 29884841, 32377563, 26848529, 30702160)

University of Washington Department of Laboratory Medicine, University of Washington
Classification: Likely benign for Hereditary cancer-predisposing syndrome. Last evaluated: 2023-03-23. Review status: criteria provided, single submitter. Criteria: Dines et al. (Genet Med. 2020). Collection method: curation. Allele origin: germline.
Comment: Missense variant in a coldspot region where missense variants are very unlikely to be pathogenic (PMID:31911673).

BRCA1 coldspot (exon 11 using historical exon numbering). Reclassification based on statistical prior probability

Color Diagnostics, LLC DBA Color Health
Classification: Uncertain significance for Hereditary cancer-predisposing syndrome. Last evaluated: 2019-08-21. Review status: criteria provided, single submitter. Criteria: ACMG Guidelines, 2015. Collection method: clinical testing. Allele origin: germline.
Comment: This missense variant replaces serine with cysteine at codon 767 of the BRCA1 protein. Computational prediction tools and conservation analyses suggest that this variant may not impact protein structure and function. Splice site prediction tools suggest that this variant may not impact RNA splicing. To our knowledge, functional studies have not been performed for this variant. This variant has not been reported in individuals affected with hereditary cancer in the literature. This variant has not been identified in the general population by the Genome Aggregation Database (gnomAD). The available evidence is insufficient to determine the role of this variant in disease conclusively. Therefore, this variant is classified as a Variant of Uncertain Significance.

Sharing Clinical Reports Project (SCRP)
Classification: Uncertain significance for Breast-ovarian cancer, familial 1. Last evaluated: 2011-11-02. Review status: no assertion criteria provided. Collection method: clinical testing. Allele origin: germline. Not counted in ClinVar's aggregate classification.

Literature cited by the submitters: PubMed 26848529 (cited by Ambry Genetics); PubMed 30702160 (cited by Ambry Genetics).